The following is an entry in ClinVar:

NM_001040151.2(SCN3B):c.232C>T (p.Arg78Trp)

Gene: SCN3B (sodium voltage-gated channel beta subunit 3; minus strand). Cytogenetic location: 11q24.1.
Variant type: single nucleotide variant.
Coding change: c.232C>T on transcript NM_001040151.2 (MANE Select); coding-DNA position 232, C replaced by T.
Protein change: p.Arg78Trp; replaces arginine 78 with tryptophan.
Molecular consequence: missense variant.
Genome position (GRCh38, 1-based): chr11:123,642,659, G>A on the plus strand (C>T on the coding strand, the complement: SCN3B is on the minus strand). VCF-style: chr11-123642659-G-A. GRCh37 (hg19) VCF-style: chr11-123513367-G-A.
Other names: c.232C>T, p.Arg78Trp (NM_018400.4); short protein forms R78W.
Identifiers: ClinVar variation 1411586 (VCV001411586.10), dbSNP rs764587765, ClinGen allele CA6334053.
Genomic context (GRCh38, chr11:123,642,659, plus strand): 5'-TGCTGCCATTCCACTGCAGGCGCCCCTGAAAGGGGCTCTCCACCTCCTGGTGGCCATTCC[G>A]ATACTCGTAAATCTGCAGATAGAGGAGCAGAAGAGGGTAGGGCCAGGAAAGGAGATGGCA-3'
Protein context (NP_001035241.1, residues 68-88): GGKDFLIYEY[Arg78Trp]NGHQEVESPF

ClinVar aggregate classification (germline): Uncertain significance. Review status: criteria provided, multiple submitters, no conflicts (2 of 4 stars). 3 submissions from 3 submitters: Uncertain significance (3). Last evaluated 2025-08-30.

Conditions:
Cardiovascular phenotype. Identifiers: MedGen CN230736.
Brugada syndrome 7 (BRGDA7). Identifiers: Orphanet 130, MedGen C2751088, MONDO:0013146, OMIM 613120.

Allele frequency attached by ClinVar (database versions not stated): gnomAD exomes 0.00001; ExAC 0.00002; gnomAD 0.00002; TOPMed 0.00002.
gnomAD v4.1: 61 of 1,613,650 alleles (0.0038%); highest among the groups gnomAD compares: Non-Finnish European, 0.005%; no homozygotes.

Submissions (3):

Ambry Genetics
Classification: Uncertain significance for Cardiovascular phenotype. Last evaluated: 2025-08-30. Review status: criteria provided, single submitter. Criteria: Ambry Variant Classification Scheme 2023. Collection method: clinical testing. Allele origin: germline.
Comment: The p.R78W variant (also known as c.232C>T), located in coding exon 3 of the SCN3B gene, results from a C to T substitution at nucleotide position 232. The arginine at codon 78 is replaced by tryptophan, an amino acid with dissimilar properties. This amino acid position is conserved. In addition, the in silico prediction for this alteration is inconclusive. Since supporting evidence is limited at this time, the clinical significance of this alteration remains unclear.

Women's Health and Genetics/Laboratory Corporation of America, LabCorp
Classification: Uncertain significance. Last evaluated: 2025-03-07. Review status: criteria provided, single submitter. Criteria: LabCorp Variant Classification Summary - May 2015. Collection method: clinical testing. Allele origin: germline.
Comment: Variant summary: SCN3B c.232C>T (p.Arg78Trp) results in a non-conservative amino acid change located in the Immunoglobulin subtype (IPR003599) of the encoded protein sequence. Four of five in-silico tools predict a damaging effect of the variant on protein function. The variant allele was found at a frequency of 1.2e-05 in 249818 control chromosomes. The available data on variant occurrences in the general population are insufficient to allow any conclusion about variant significance. To our knowledge, no occurrence of c.232C>T in individuals affected with Arrhythmia and no experimental evidence demonstrating its impact on protein function have been reported. ClinVar contains an entry for this variant (Variation ID: 1411586). Based on the evidence outlined above, the variant was classified as uncertain significance.

Labcorp Genetics (formerly Invitae), Labcorp
Classification: Uncertain significance for Brugada syndrome 7. Last evaluated: 2025-01-29. Review status: criteria provided, single submitter. Criteria: Invitae Variant Classification Sherloc (09022015). Collection method: clinical testing. Allele origin: germline.
Comment: This sequence change replaces arginine, which is basic and polar, with tryptophan, which is neutral and slightly polar, at codon 78 of the SCN3B protein (p.Arg78Trp). This variant is present in population databases (rs764587765, gnomAD 0.003%). This variant has not been reported in the literature in individuals affected with SCN3B-related conditions. ClinVar contains an entry for this variant (Variation ID: 1411586). An algorithm developed to predict the effect of missense changes on protein structure and function (PolyPhen-2) suggests that this variant is likely to be disruptive. In summary, the available evidence is currently insufficient to determine the role of this variant in disease. Therefore, it has been classified as a Variant of Uncertain Significance.